The following is an entry in ClinVar:

NM_001145026.2(PTPRQ):c.5678A>T (p.Lys1893Met)

Gene: PTPRQ (protein tyrosine phosphatase receptor type Q; plus strand). Cytogenetic location: 12q21.31.
Variant type: single nucleotide variant.
Coding change: c.5678A>T on transcript NM_001145026.2 (MANE Select); coding-DNA position 5678, A replaced by T.
Protein change: p.Lys1893Met; replaces lysine 1893 with methionine.
Molecular consequence: missense variant.
Genome position (GRCh38, 1-based): chr12:80,622,126, A>T. VCF-style: chr12-80622126-A-T. GRCh37 (hg19) VCF-style: chr12-81015905-A-T.
Other names: short protein forms K1893M.
Identifiers: ClinVar variation 4281802 (VCV004281802.1).

ClinVar aggregate classification (germline): Uncertain significance (1 of 4 stars; one submission).

gnomAD v4.1: 1 of 1,437,296 alleles (0.00007%); no homozygotes.

Submission:

GeneDx
Classification: Uncertain significance. Last evaluated: 2025-04-11. Review status: criteria provided, single submitter. Criteria: GeneDx Variant Classification Process June 2021. Collection method: clinical testing. Allele origin: germline. Affected: yes.
Comment: Not observed at significant frequency in large population cohorts (gnomAD); In silico analysis supports that this missense variant has a deleterious effect on protein structure/function; Has not been previously published as pathogenic or benign to our knowledge